The following is an entry in ClinVar:

NM_001287.6(CLCN7):c.1997A>G (p.His666Arg)

Gene: CLCN7 (chloride voltage-gated channel 7; minus strand). Cytogenetic location: 16p13.3.
Variant type: single nucleotide variant.
Coding change: c.1997A>G on transcript NM_001287.6 (MANE Select); coding-DNA position 1997, A replaced by G.
Protein change: p.His666Arg; replaces histidine 666 with arginine.
Molecular consequence: missense variant.
Genome position (GRCh38, 1-based): chr16:1,448,371, T>C on the plus strand (A>G on the coding strand, the complement: CLCN7 is on the minus strand). VCF-style: chr16-1448371-T-C. GRCh37 (hg19) VCF-style: chr16-1498372-T-C.
Other names: c.1925A>G, p.His642Arg (NM_001114331.3); short protein forms H642R, H666R.
Identifiers: ClinVar variation 2805882 (VCV002805882.3), dbSNP rs1596211465, ClinGen allele CA394186008.

ClinVar aggregate classification (germline): Uncertain significance (1 of 4 stars; one submission).

gnomAD v4.1: 1 of 1,612,772 alleles (0.000062%); no homozygotes.

Submission:

Labcorp Genetics (formerly Invitae), Labcorp
Classification: Uncertain significance. Last evaluated: 2024-01-11. Review status: criteria provided, single submitter. Criteria: Invitae Variant Classification Sherloc (09022015). Collection method: clinical testing. Allele origin: germline.
Comment: This sequence change replaces histidine, which is basic and polar, with arginine, which is basic and polar, at codon 666 of the CLCN7 protein (p.His666Arg). This variant is not present in population databases (gnomAD no frequency). This variant has not been reported in the literature in individuals affected with CLCN7-related conditions. Advanced modeling of protein sequence and biophysical properties (such as structural, functional, and spatial information, amino acid conservation, physicochemical variation, residue mobility, and thermodynamic stability) performed at Invitae indicates that this missense variant is not expected to disrupt CLCN7 protein function with a negative predictive value of 95%. In summary, the available evidence is currently insufficient to determine the role of this variant in disease. Therefore, it has been classified as a Variant of Uncertain Significance.